The following is an entry in ClinVar:

NM_001563.4(IMPG1):c.667-10_667-9del

Gene: IMPG1 (interphotoreceptor matrix proteoglycan 1; minus strand). Cytogenetic location: 6q14.1.
Variant type: Deletion.
Coding change: c.667-10_667-9del on transcript NM_001563.4 (MANE Select); 10 bases into the intron before coding-DNA position 667 through 9 bases into the intron before coding-DNA position 667, 2 bases deleted (TT; older notation c.667-10_667-9delTT).
Molecular consequence: intron variant.
Genome position (GRCh38, 1-based): chr6:76,018,867-76,018,868, AA deleted on the plus strand (TT on the coding strand, the reverse complement: IMPG1 is on the minus strand); deleting any 2 consecutive bases within chr6:76,018,867-76,018,880 gives the same sequence; the c. name uses the placement nearest the transcript's 3' end. VCF-style (leftmost placement, unchanged base first): chr6-76018866-TAA-T. GRCh37 (hg19) VCF-style: chr6-76728583-TAA-T.
Other names: c.433-10_433-9del (NM_001282368.2).
Identifiers: ClinVar variation 4852747 (VCV004852747.2).

ClinVar aggregate classification (germline): Benign (1 of 4 stars; one submission).

Submission:

Dasa
Classification: Benign. Last evaluated: 2025-11-20. Review status: criteria provided, single submitter. Criteria: DASA Assertion Criteria. Collection method: clinical testing. Allele origin: germline.
Comment: NM_001563.4(IMPG1):c.667-10_667-9del is a splice-region variant. Population frequency is inconsistent with a disease-causing role for this variant. Computational prediction algorithms are consistent with a benign effect. Therefore, based on the currently available evidence, this variant is classified as benign.